The following is an entry in ClinVar:

NM_000179.3(MSH6):c.1619T>G (p.Leu540Arg)

Gene: MSH6 (mutS homolog 6; plus strand). Cytogenetic location: 2p16.3.
Variant type: single nucleotide variant.
Coding change: c.1619T>G on transcript NM_000179.3 (MANE Select); coding-DNA position 1619, T replaced by G.
Protein change: p.Leu540Arg; replaces leucine 540 with arginine.
Molecular consequence: missense variant. On other transcripts: non-coding transcript variant (4), intron variant (2).
Genome position (GRCh38, 1-based): chr2:47,799,602, T>G. VCF-style: chr2-47799602-T-G. GRCh37 (hg19) VCF-style: chr2-48026741-T-G.
Other names: c.1229T>G, p.Leu410Arg (NM_001281492.2); c.713T>G, p.Leu238Arg (NM_001281493.2, NM_001281494.2, NM_001406811.1 and 6 more transcripts); c.1715T>G, p.Leu572Arg (NM_001406795.1, NM_001406802.1); c.1619T>G, p.Leu540Arg (NM_001406796.1, NM_001406798.1, NM_001406800.1 and 3 more transcripts); c.1322T>G, p.Leu441Arg (NM_001406797.1, NM_001406801.1, NM_001406805.1 and 10 more transcripts); c.1094T>G, p.Leu365Arg (NM_001406799.1, NM_001406806.1, NM_001406807.1); c.1541T>G, p.Leu514Arg (NM_001406804.1); c.1625T>G, p.Leu542Arg (NM_001406813.1); and 3 more; short protein forms L238R, L540R, L572R, L410R, L441R, L484R, L514R, L542R.
Identifiers: ClinVar variation 3296380 (VCV003296380.1).

ClinVar aggregate classification (germline): Uncertain significance (1 of 4 stars; one submission).

Conditions:
Hereditary cancer-predisposing syndrome. Also called: Tumor predisposition; Hereditary Cancer Syndrome; Hereditary neoplastic syndrome; Neoplastic Syndromes, Hereditary. Identifiers: Orphanet 140162, MedGen C0027672, MeSH D009386, MONDO:0015356.

Submission:

Ambry Genetics
Classification: Uncertain significance for Hereditary cancer-predisposing syndrome. Last evaluated: 2024-04-12. Review status: criteria provided, single submitter. Criteria: Ambry Variant Classification Scheme 2023. Collection method: clinical testing. Allele origin: germline.
Comment: The p.L540R variant (also known as c.1619T>G), located in coding exon 4 of the MSH6 gene, results from a T to G substitution at nucleotide position 1619. The leucine at codon 540 is replaced by arginine, an amino acid with dissimilar properties. This amino acid position is conserved. In addition, this alteration is predicted to be deleterious by in silico analysis. Based on the available evidence, the clinical significance of this variant remains unclear.